The following is an entry in ClinVar:

ClinVar aggregate classification (germline): Uncertain significance. Review status: criteria provided, multiple submitters, no conflicts (2 of 4 stars). 2 submissions from 2 submitters: Uncertain significance (2). Last evaluated 2024-01-24.

Conditions:
Inborn genetic diseases. Identifiers: MedGen C0950123, MeSH D030342.
Combined immunodeficiency due to LRBA deficiency. Also called: Common variable immunodeficiency 8, with autoimmunity. Identifiers: Orphanet 445018, MedGen C3553512, MONDO:0013863, OMIM 614700.

Allele frequency attached by ClinVar (database versions not stated): gnomAD exomes below 0.00001; TOPMed below 0.00001; gnomAD 0.00001.
gnomAD v4.1: 3 of 1,612,152 alleles (0.00019%); highest among the groups gnomAD compares: African/African-American, 0.0013%; no homozygotes.

Submissions (2):

Ambry Genetics
Classification: Uncertain significance for Inborn genetic diseases. Last evaluated: 2024-01-24. Review status: criteria provided, single submitter. Criteria: Ambry Variant Classification Scheme 2023. Collection method: clinical testing. Allele origin: germline.

Labcorp Genetics (formerly Invitae), Labcorp
Classification: Uncertain significance for Combined immunodeficiency due to LRBA deficiency. Last evaluated: 2021-09-30. Review status: criteria provided, single submitter. Criteria: Invitae Variant Classification Sherloc (09022015). Collection method: clinical testing. Allele origin: germline.
Comment: In summary, the available evidence is currently insufficient to determine the role of this variant in disease. Therefore, it has been classified as a Variant of Uncertain Significance. Algorithms developed to predict the effect of missense changes on protein structure and function (SIFT, PolyPhen-2, Align-GVGD) all suggest that this variant is likely to be tolerated. This variant has not been reported in the literature in individuals affected with LRBA-related conditions. This variant is not present in population databases (ExAC no frequency). This sequence change replaces isoleucine with valine at codon 307 of the LRBA protein (p.Ile307Val). The isoleucine residue is weakly conserved and there is a small physicochemical difference between isoleucine and valine.

NM_001364905.1(LRBA):c.919A>G (p.Ile307Val)

Gene: LRBA (LPS responsive beige-like anchor protein; minus strand). Cytogenetic location: 4q31.3.
Variant type: single nucleotide variant.
Coding change: c.919A>G on transcript NM_001364905.1 (MANE Select); coding-DNA position 919, A replaced by G.
Protein change: p.Ile307Val; replaces isoleucine 307 with valine.
Molecular consequence: missense variant.
Genome position (GRCh38, 1-based): chr4:150,915,703, T>C on the plus strand (A>G on the coding strand, the complement: LRBA is on the minus strand). VCF-style: chr4-150915703-T-C. GRCh37 (hg19) VCF-style: chr4-151836855-T-C.
Other names: c.919A>G, p.Ile307Val (NM_001199282.3, NM_001367550.1, NM_006726.5); short protein forms I307V.
Identifiers: ClinVar variation 1401601 (VCV001401601.7), dbSNP rs1311498124, ClinGen allele CA358436033.